The following is an entry in ClinVar:

ClinVar aggregate classification (germline): Uncertain significance (1 of 4 stars; one submission).

Conditions:
Retinitis pigmentosa 20 (RP20). Identifiers: Orphanet 791, MedGen C3151086, MONDO:0013425, OMIM 613794.
Leber congenital amaurosis 2 (LCA2). Also called: AMAUROSIS CONGENITA OF LEBER II; Autosomal Recessive RPE65-Related Retinal Degeneration. Identifiers: Orphanet 65, MedGen C1859844, MONDO:0008765, OMIM 204100. Disease mechanism: loss of function.

Allele frequency attached by ClinVar (database versions not stated): gnomAD exomes below 0.00001.
gnomAD v4.1: 2 of 1,613,918 alleles (0.00012%); highest among the groups gnomAD compares: Non-Finnish European, 0.00017%; no homozygotes.

Submission:

Labcorp Genetics (formerly Invitae), Labcorp
Classification: Uncertain significance for Leber congenital amaurosis 2; Retinitis pigmentosa 20. Last evaluated: 2023-05-28. Review status: criteria provided, single submitter. Criteria: Invitae Variant Classification Sherloc (09022015). Collection method: clinical testing. Allele origin: germline.
Comment: Algorithms developed to predict the effect of sequence changes on RNA splicing suggest that this variant may create or strengthen a splice site. In summary, the available evidence is currently insufficient to determine the role of this variant in disease. Therefore, it has been classified as a Variant of Uncertain Significance. This variant is not present in population databases (gnomAD no frequency). This sequence change replaces alanine, which is neutral and non-polar, with valine, which is neutral and non-polar, at codon 214 of the RPE65 protein (p.Ala214Val). This variant has not been reported in the literature in individuals affected with RPE65-related conditions. An algorithm developed to predict the effect of missense changes on protein structure and function (PolyPhen-2) suggests that this variant is likely to be tolerated.

NM_000329.3(RPE65):c.641C>T (p.Ala214Val)

Gene: RPE65 (retinoid isomerohydrolase RPE65; minus strand). Cytogenetic location: 1p31.3.
Variant type: single nucleotide variant.
Coding change: c.641C>T on transcript NM_000329.3 (MANE Select); coding-DNA position 641, C replaced by T.
Protein change: p.Ala214Val; replaces alanine 214 with valine.
Molecular consequence: missense variant.
Genome position (GRCh38, 1-based): chr1:68,440,855, G>A on the plus strand (C>T on the coding strand, the complement: RPE65 is on the minus strand). VCF-style: chr1-68440855-G-A. GRCh37 (hg19) VCF-style: chr1-68906538-G-A.
Other names: c.533C>T, p.Ala178Val (NM_001406853.1); c.365C>T, p.Ala122Val (NM_001406856.1, NM_001406857.1); c.641C>T, p.Ala214Val (NM_001406859.1); short protein forms A122V, A214V, A178V.
Identifiers: ClinVar variation 2931518 (VCV002931518.3), dbSNP rs2100821509, ClinGen allele CA340746743.